The following is an entry in ClinVar:

NM_021619.3(PRDM12):c.788G>A (p.Arg263His)

Gene: PRDM12 (PR/SET domain 12; plus strand). Cytogenetic location: 9q34.12.
Variant type: single nucleotide variant.
Coding change: c.788G>A on transcript NM_021619.3 (MANE Select); coding-DNA position 788, G replaced by A.
Protein change: p.Arg263His; replaces arginine 263 with histidine.
Molecular consequence: missense variant.
Genome position (GRCh38, 1-based): chr9:130,681,353, G>A. VCF-style: chr9-130681353-G-A. GRCh37 (hg19) VCF-style: chr9-133556740-G-A.
Other names: short protein forms R263H.
Identifiers: ClinVar variation 1199182 (VCV001199182.6), dbSNP rs2132608078, ClinGen allele CA375244687.

ClinVar aggregate classification (germline): Conflicting classifications of pathogenicity. Review status: criteria provided, conflicting classifications (1 of 4 stars). 2 submissions from 2 submitters: Likely pathogenic (1); Uncertain significance (1). Last evaluated 2021-01-26.

Conditions:
Congenital insensitivity to pain-hypohidrosis syndrome. Also called: HSAN VIII; Neuropathy, hereditary sensory and autonomic, type VIII. Identifiers: Orphanet 478664, MedGen C4225308, MONDO:0014662, OMIM 616488.

Submissions (2):

GeneDx
Classification: Uncertain significance. Last evaluated: 2021-01-26. Review status: criteria provided, single submitter. Criteria: GeneDx Variant Classification Process June 2021. Collection method: clinical testing. Allele origin: germline. Affected: yes.
Comment: Not observed in large population cohorts (Lek et al., 2016); In silico analysis supports that this missense variant does not alter protein structure/function; Has not been previously published as pathogenic or benign to our knowledge

Illumina Laboratory Services, Illumina
Classification: Likely pathogenic for Congenital insensitivity to pain-hypohidrosis syndrome. Last evaluated: 2020-12-21. Review status: criteria provided, single submitter. Criteria: ICSLVariantClassificationCriteria RUGD 01 April 2020. Collection method: clinical testing. Allele origin: unknown.
Comment: The PRDM12 c.788G>A (p.Arg263His) variant is a missense variant. A literature search was performed for the gene, cDNA change, and amino acid change. No publications were found based on this search. This variant is not found in the Genome Aggregation Database in a region of good sequence coverage, so the variant is presumed to be rare. The p.Arg263His variant is located in a conserved zinc-finger domain, C2H2 type 1 with no reported benign missense variation. Zinc-finger domains of PRDM12 are shown to be important for its function as their deletion impacts interaction with G9a, which is required for its methylase activity (Chen et al. 2015). In addition, missense variants are a common mechanism of the disorder (Kaur et al. 2020; Imhof et al. 2020). Based on the collective evidence and application of the ACMG criteria, the p.Arg263His variant is classified as likely pathogenic for hereditary sensory and autonomic neuropathy.

Literature cited by the submitters: PubMed 26005867 (cited by Illumina Laboratory Services, Illumina); PubMed 32409124 (cited by Illumina Laboratory Services, Illumina); PubMed 32828702 (cited by Illumina Laboratory Services, Illumina).